The following is an entry in ClinVar:

NM_005257.6(GATA6):c.1660A>C (p.Asn554His)

Gene: GATA6 (GATA binding protein 6; plus strand). Cytogenetic location: 18q11.2.
Variant type: single nucleotide variant.
Coding change: c.1660A>C on transcript NM_005257.6 (MANE Select); coding-DNA position 1660, A replaced by C.
Protein change: p.Asn554His; replaces asparagine 554 with histidine.
Molecular consequence: missense variant.
Genome position (GRCh38, 1-based): chr18:22,200,695, A>C. VCF-style: chr18-22200695-A-C. GRCh37 (hg19) VCF-style: chr18-19780658-A-C.
Other names: short protein forms N554H.
Identifiers: ClinVar variation 2179826 (VCV002179826.4), dbSNP rs778104955, ClinGen allele CA401803083.

ClinVar aggregate classification (germline): Uncertain significance (1 of 4 stars; one submission).

Conditions:
Atrioventricular septal defect 5 (AVSD5). Identifiers: MedGen C3280939, MONDO:0013769, OMIM 614474.

Submission:

Labcorp Genetics (formerly Invitae), Labcorp
Classification: Uncertain significance for Atrioventricular septal defect 5. Last evaluated: 2022-04-22. Review status: criteria provided, single submitter. Criteria: Invitae Variant Classification Sherloc (09022015). Collection method: clinical testing. Allele origin: germline.
Comment: In summary, the available evidence is currently insufficient to determine the role of this variant in disease. Therefore, it has been classified as a Variant of Uncertain Significance. Algorithms developed to predict the effect of missense changes on protein structure and function (SIFT, PolyPhen-2, Align-GVGD) all suggest that this variant is likely to be tolerated. This variant has not been reported in the literature in individuals affected with GATA6-related conditions. This variant is not present in population databases (gnomAD no frequency). This sequence change replaces asparagine, which is neutral and polar, with histidine, which is basic and polar, at codon 554 of the GATA6 protein (p.Asn554His).